The following is an entry in ClinVar:

NM_000429.3(MAT1A):c.875G>T (p.Arg292Leu)

Gene: MAT1A (methionine adenosyltransferase 1A; minus strand). Cytogenetic location: 10q22.3.
Variant type: single nucleotide variant.
Coding change: c.875G>T on transcript NM_000429.3 (MANE Select); coding-DNA position 875, G replaced by T.
Protein change: p.Arg292Leu; replaces arginine 292 with leucine.
Molecular consequence: missense variant.
Genome position (GRCh38, 1-based): chr10:80,275,093, C>A on the plus strand (G>T on the coding strand, the complement: MAT1A is on the minus strand). VCF-style: chr10-80275093-C-A. GRCh37 (hg19) VCF-style: chr10-82034849-C-A.
Other names: short protein forms R292L.
Identifiers: ClinVar variation 3692299 (VCV003692299.2).

ClinVar aggregate classification (germline): Pathogenic (1 of 4 stars; one submission).

Conditions:
Hepatic methionine adenosyltransferase deficiency. Also called: Deficiency of methionine adenosyltransferase; Methionine adenosyltransferase deficiency; Isolated Persistent Hypermethioninemia; MAT I/III DEFICIENCY. Identifiers: Orphanet 168598, MedGen C0268621, MeSH C564683, MONDO:0009607, OMIM 250850.

Submission:

Labcorp Genetics (formerly Invitae), Labcorp
Classification: Pathogenic for Hepatic methionine adenosyltransferase deficiency. Last evaluated: 2024-11-04. Review status: criteria provided, single submitter. Criteria: Invitae Variant Classification Sherloc (09022015). Collection method: clinical testing. Allele origin: germline.
Comment: This sequence change replaces arginine, which is basic and polar, with leucine, which is neutral and non-polar, at codon 292 of the MAT1A protein (p.Arg292Leu). This variant is not present in population databases (gnomAD no frequency). This missense change has been observed in individual(s) with clinical features of autosomal recessive hypermethioninemia and/or methionine adenosyltransferase deficiency (PMID: 36704196; internal data). Invitae Evidence Modeling of protein sequence and biophysical properties (such as structural, functional, and spatial information, amino acid conservation, physicochemical variation, residue mobility, and thermodynamic stability) indicates that this missense variant is expected to disrupt MAT1A protein function with a positive predictive value of 80%. This variant disrupts the p.Arg292 amino acid residue in MAT1A. Other variant(s) that disrupt this residue have been determined to be pathogenic (PMID: 20675163, 22178350, 24231718). This suggests that this residue is clinically significant, and that variants that disrupt this residue are likely to be disease-causing. For these reasons, this variant has been classified as Pathogenic.

Literature cited by the submitters: PubMed 36704196; PubMed 20675163; PubMed 22178350; PubMed 24231718.